The following is an entry in ClinVar:

ClinVar aggregate classification (germline): Uncertain significance (1 of 4 stars; one submission).

Conditions:
Tumor predisposition syndrome 3 (TPDS3). Also called: LONG TELOMERE SYNDROME, POT1-RELATED; POT1 Tumor Predisposition; Melanoma, cutaneous malignant, susceptibility to, 10; Glioma susceptibility 9. Identifiers: Orphanet 618, MedGen C4014476, MONDO:0014368, OMIM 615848.

Submission:

Labcorp Genetics (formerly Invitae), Labcorp
Classification: Uncertain significance for Tumor predisposition syndrome 3. Last evaluated: 2023-05-15. Review status: criteria provided, single submitter. Criteria: Invitae Variant Classification Sherloc (09022015). Collection method: clinical testing. Allele origin: germline.
Comment: This sequence change replaces proline, which is neutral and non-polar, with alanine, which is neutral and non-polar, at codon 279 of the POT1 protein (p.Pro279Ala). This variant is not present in population databases (gnomAD no frequency). This variant has not been reported in the literature in individuals affected with POT1-related conditions. Advanced modeling of protein sequence and biophysical properties (such as structural, functional, and spatial information, amino acid conservation, physicochemical variation, residue mobility, and thermodynamic stability) performed at Invitae indicates that this missense variant is not expected to disrupt POT1 protein function. In summary, the available evidence is currently insufficient to determine the role of this variant in disease. Therefore, it has been classified as a Variant of Uncertain Significance.

NM_015450.3(POT1):c.835C>G (p.Pro279Ala)

Gene: POT1 (protection of telomeres 1; minus strand). Cytogenetic location: 7q31.33.
Variant type: single nucleotide variant.
Coding change: c.835C>G on transcript NM_015450.3 (MANE Select); coding-DNA position 835, C replaced by G.
Protein change: p.Pro279Ala; replaces proline 279 with alanine.
Molecular consequence: missense variant. On other transcripts: non-coding transcript variant (3).
Genome position (GRCh38, 1-based): chr7:124,853,006, G>C on the plus strand (C>G on the coding strand, the complement: POT1 is on the minus strand). VCF-style: chr7-124853006-G-C. GRCh37 (hg19) VCF-style: chr7-124493060-G-C.
Other names: c.442C>G, p.Pro148Ala (NM_001042594.2); short protein forms P148A, P279A.
Identifiers: ClinVar variation 2864309 (VCV002864309.3), dbSNP rs2116504463, ClinGen allele CA369055286.